The following is an entry in ClinVar:

NM_018127.7(ELAC2):c.1248G>A (p.Met416Ile)

Gene: ELAC2 (elaC ribonuclease Z 2; minus strand). Cytogenetic location: 17p12.
Variant type: single nucleotide variant.
Coding change: c.1248G>A on transcript NM_018127.7 (MANE Select); coding-DNA position 1248, G replaced by A.
Protein change: p.Met416Ile; replaces methionine 416 with isoleucine.
Molecular consequence: missense variant.
Genome position (GRCh38, 1-based): chr17:13,002,330, C>T on the plus strand (G>A on the coding strand, the complement: ELAC2 is on the minus strand). VCF-style: chr17-13002330-C-T. GRCh37 (hg19) VCF-style: chr17-12905647-C-T.
Other names: c.1128G>A, p.Met376Ile (NM_001165962.2); c.1245G>A, p.Met415Ile (NM_173717.2); short protein forms M376I, M415I, M416I.
Identifiers: ClinVar variation 1984712 (VCV001984712.4), dbSNP rs1383883108, ClinGen allele CA398225217.
Genomic context (GRCh38, chr17:13,002,330, plus strand): 5'-AGACCTCTGCCACTCCCTCCTGGGACGGAGCTGGTACTTGAGGAGGCATTCACCCTGAAC[C>T]ATGGGCACACTGAGGGTGGGGCCCTCCTTCTGAAAGAGACAAAACACATTCATGGAGAGA-3'
Protein context (NP_060597.4, residues 406-426): KKEGPTLSVP[Met416Ile]VQGECLLKYQ

ClinVar aggregate classification (germline): Uncertain significance (1 of 4 stars; one submission).

Conditions:
Combined oxidative phosphorylation defect type 17. Also called: Combined oxidative phosphorylation deficiency 17. Identifiers: Orphanet 369913, MedGen C3809526, MONDO:0014190, OMIM 615440.

Allele frequency attached by ClinVar (database versions not stated): TOPMed 0.00001.

Submission:

Labcorp Genetics (formerly Invitae), Labcorp
Classification: Uncertain significance for Combined oxidative phosphorylation defect type 17. Last evaluated: 2025-01-20. Review status: criteria provided, single submitter. Criteria: Invitae Variant Classification Sherloc (09022015). Collection method: clinical testing. Allele origin: germline.
Comment: This sequence change replaces methionine, which is neutral and non-polar, with isoleucine, which is neutral and non-polar, at codon 416 of the ELAC2 protein (p.Met416Ile). This variant is not present in population databases (gnomAD no frequency). This variant has not been reported in the literature in individuals affected with ELAC2-related conditions. ClinVar contains an entry for this variant (Variation ID: 1984712). Invitae Evidence Modeling of protein sequence and biophysical properties (such as structural, functional, and spatial information, amino acid conservation, physicochemical variation, residue mobility, and thermodynamic stability) indicates that this missense variant is not expected to disrupt ELAC2 protein function with a negative predictive value of 80%. Algorithms developed to predict the effect of sequence changes on RNA splicing suggest that this variant may disrupt the consensus splice site. In summary, the available evidence is currently insufficient to determine the role of this variant in disease. Therefore, it has been classified as a Variant of Uncertain Significance.